The following is an entry in ClinVar:

NM_018979.4(WNK1):c.4430_4435del (p.Gln1477_Ala1479delinsPro)

Gene: WNK1 (WNK lysine deficient protein kinase 1; plus strand). Cytogenetic location: 12p13.33.
Variant type: Deletion.
Coding change: c.4430_4435del on transcript NM_018979.4 (MANE Select); coding-DNA positions 4430 to 4435, 6 bases deleted (AGCAGG; older notation c.4430_4435delAGCAGG).
Protein change: p.Gln1477_Ala1479delinsPro.
Molecular consequence: inframe indel.
Genome position (GRCh38, 1-based): chr12:885,234-885,239, AGCAGG deleted. VCF-style (leftmost placement, unchanged base first): chr12-885233-CAGCAGG-C. GRCh37 (hg19) VCF-style: chr12-994399-CAGCAGG-C.
Other names: c.5210_5215del, p.Gln1737_Ala1739delinsPro (NM_001184985.2); c.3689_3694del, p.Gln1230_Ala1232delinsPro (NM_014823.3); c.5186_5191del, p.Gln1729_Ala1731delinsPro (NM_213655.5).
Identifiers: ClinVar variation 4783815 (VCV004783815.1).

ClinVar aggregate classification (germline): Uncertain significance (1 of 4 stars; one submission).

Conditions:
Neuropathy, hereditary sensory and autonomic, type 2A (HSAN2A). Also called: WNK1-Related HSAN2 (HSAN2A); ACROOSTEOLYSIS, GIACCAI TYPE; ACROOSTEOLYSIS, NEUROGENIC; MORVAN DISEASE; NEUROPATHY, CONGENITAL SENSORY; NEUROPATHY, HEREDITARY SENSORY RADICULAR, AUTOSOMAL RECESSIVE. Identifiers: Orphanet 970, MedGen C2752089, MONDO:0024309, OMIM 201300.
Pseudohypoaldosteronism type 2C (PHA2C). Also called: Pseudohypoaldosteronism Type IIC. Identifiers: Orphanet 757, Orphanet 88940, MedGen C1840391, MONDO:0013778, OMIM 614492.

Submission:

Labcorp Genetics (formerly Invitae), Labcorp
Classification: Uncertain significance for Neuropathy, hereditary sensory and autonomic, type 2A; Pseudohypoaldosteronism type 2C. Last evaluated: 2025-12-02. Review status: criteria provided, single submitter. Criteria: Invitae Variant Classification Sherloc (09022015). Collection method: clinical testing. Allele origin: germline.
Comment: This variant, c.5186_5191del, is a complex sequence change that results in the deletion of 3 and insertion of 1 amino acid(s) in the WNK1 protein (p.Gln1729_Ala1731delinsPro). This variant is not present in population databases (gnomAD no frequency). This variant has not been reported in the literature in individuals affected with WNK1-related conditions. Experimental studies and prediction algorithms are not available or were not evaluated, and the functional significance of this variant is currently unknown. In summary, the available evidence is currently insufficient to determine the role of this variant in disease. Therefore, it has been classified as a Variant of Uncertain Significance.